The following is an entry in ClinVar:

NM_001329.4(CTBP2):c.58+11963C>T

Gene: CTBP2 (C-terminal binding protein 2; minus strand). Cytogenetic location: 10q26.13.
Variant type: single nucleotide variant.
Coding change: c.58+11963C>T on transcript NM_001329.4 (MANE Select); 11963 bases into the intron after coding-DNA position 58, C replaced by T.
Molecular consequence: intron variant. On other transcripts: synonymous variant (1).
Genome position (GRCh38, 1-based): chr10:125,027,034, G>A on the plus strand (C>T on the coding strand, the complement: CTBP2 is on the minus strand). VCF-style: chr10-125027034-G-A. GRCh37 (hg19) VCF-style: chr10-126715603-G-A.
Other names: c.726C>T, p.Pro242= (NM_022802.3); c.58+11963C>T (NM_001083914.3, NM_001290214.3, NM_001321012.2 and 3 more transcripts).
Identifiers: ClinVar variation 722660 (VCV000722660.6), dbSNP rs148309859, ClinGen allele CA5736445.

ClinVar aggregate classification (germline): Benign. Review status: criteria provided, multiple submitters, no conflicts (2 of 4 stars). 3 submissions from 3 submitters: Benign (2). 1 of the submissions does not count toward it. Last evaluated 2018-05-21.

Conditions:
CTBP2-related disorder. Also called: CTBP2-related condition.

Allele frequency attached by ClinVar (database versions not stated): 1000 Genomes Project 0.00180; 1000 Genomes Project 30x 0.00219; TOPMed 0.00298; ESP Exome Variant Server 0.00315.
gnomAD v4.1: 694 of 1,613,528 alleles (0.043%); highest among the groups gnomAD compares: African/African-American, 0.75%; 4 homozygotes.

Submissions (3):

Labcorp Genetics (formerly Invitae), Labcorp
Classification: Benign. Last evaluated: 2018-05-21. Review status: criteria provided, single submitter. Criteria: Invitae Variant Classification Sherloc (09022015). Collection method: clinical testing. Allele origin: germline.

Breakthrough Genomics
Classification: Benign. Review status: criteria provided, single submitter. Criteria: ACMG Guidelines, 2015. Collection method: not provided. Allele origin: germline. Inheritance: Unknown mechanism. Affected: yes.

PreventionGenetics, part of Exact Sciences
Classification: Benign for CTBP2-related condition. Last evaluated: 2019-11-26. Review status: no assertion criteria provided. Collection method: clinical testing. Allele origin: germline. Not counted in ClinVar's aggregate classification.
Comment: This variant is classified as benign based on ACMG/AMP sequence variant interpretation guidelines (Richards et al. 2015 PMID: 25741868, with internal and published modifications).